The following is an entry in ClinVar:

NM_006517.5(SLC16A2):c.109_111delinsACTGAGCCCGAGCCCGAGCCC (p.Glu36_Pro37insThrGluProGluProGlu)

Gene: SLC16A2 (solute carrier family 16 member 2; plus strand). Cytogenetic location: Xq13.2.
Variant type: Indel.
Coding change: c.109_111delinsACTGAGCCCGAGCCCGAGCCC on transcript NM_006517.5 (MANE Select); coding-DNA positions 109 to 111, CCT replaced by ACTGAGCCCGAGCCCGAGCCC.
Protein change: p.Glu36_Pro37insThrGluProGluProGlu.
Genome position (GRCh38, 1-based): chrX:74,421,746-74,421,748, CCT replaced by ACTGAGCCCGAGCCCGAGCCC. VCF-style: chrX-74421746-CCT-ACTGAGCCCGAGCCCGAGCCC. GRCh37 (hg19) VCF-style: chrX-73641581-CCT-ACTGAGCCCGAGCCCGAGCCC.
Identifiers: ClinVar variation 3363877 (VCV003363877.2).

ClinVar aggregate classification (germline): Uncertain significance (1 of 4 stars; one submission).

Submission:

GeneDx
Classification: Uncertain significance. Last evaluated: 2026-05-13. Review status: criteria provided, single submitter. Criteria: GeneDx Variant Classification Process June 2021. Collection method: clinical testing. Allele origin: germline.
Comment: Not observed at significant frequency in large population cohorts (gnomAD); In-frame insertion of 6 amino acids in a non-repeat region; In silico analysis suggests that this variant does not alter protein structure/function; Has not been previously published as pathogenic or benign to our knowledge